The following is an entry in ClinVar:

ClinVar aggregate classification (germline): Benign/Likely benign. Review status: criteria provided, multiple submitters, no conflicts (2 of 4 stars). 6 submissions from 6 submitters: Benign (2); Likely benign (2). 2 of the submissions do not count toward it. Last evaluated 2026-03-01.

Conditions:
UPB1-related disorder. Also called: UPB1-related condition.
Deficiency of beta-ureidopropionase (UPB1D). Also called: Beta-ureidopropionase deficiency. Identifiers: Orphanet 65287, MedGen C1291512, MONDO:0013164, OMIM 613161.

Allele frequency attached by ClinVar (database versions not stated): TOPMed 0.00549; 1000 Genomes Project 30x 0.00609; 1000 Genomes Project 0.00659; ESP Exome Variant Server 0.00684; gnomAD 0.00726 and 0.00765; gnomAD exomes 0.00907 and 0.01057; ExAC 0.00986.
gnomAD v4.1: 16,470 of 1,614,226 alleles (1%); highest among the groups gnomAD compares: South Asian, 1.4%; 119 homozygotes.

Submissions (6):

CeGaT Center for Human Genetics Tuebingen
Classification: Benign. Last evaluated: 2026-03-01. Review status: criteria provided, single submitter. Criteria: CeGaT Center For Human Genetics Tuebingen Variant Classification Criteria Version 2. Collection method: clinical testing. Allele origin: germline. Affected: yes. Observed: 3 variant alleles.
Comment: UPB1: BP4, BS1, BS2

Labcorp Genetics (formerly Invitae), Labcorp
Classification: Benign. Last evaluated: 2026-01-12. Review status: criteria provided, single submitter. Criteria: Invitae Variant Classification Sherloc (09022015). Collection method: clinical testing. Allele origin: germline.

Illumina Laboratory Services, Illumina
Classification: Likely benign for Deficiency of beta-ureidopropionase. Last evaluated: 2017-04-27. Review status: criteria provided, single submitter. Criteria: ICSL Variant Classification Criteria 13 December 2019. Collection method: clinical testing. Allele origin: germline.
Comment: This variant was observed as part of a predisposition screen in an ostensibly healthy population. A literature search was performed for the gene, cDNA change, and amino acid change (where applicable). Publications were found based on this search. The evidence from the literature, in combination with allele frequency data from public databases where available, was sufficient to determine this variant is unlikely to cause disease. Therefore, this variant is classified as likely benign.

Breakthrough Genomics
Classification: Likely benign. Review status: criteria provided, single submitter. Criteria: ACMG Guidelines, 2015. Collection method: not provided. Allele origin: germline. Inheritance: Autosomal recessive inheritance. Affected: yes.

PreventionGenetics, part of Exact Sciences
Classification: Benign for UPB1-related condition. Last evaluated: 2020-01-06. Review status: no assertion criteria provided. Collection method: clinical testing. Allele origin: germline. Not counted in ClinVar's aggregate classification.
Comment: This variant is classified as benign based on ACMG/AMP sequence variant interpretation guidelines (Richards et al. 2015 PMID: 25741868, with internal and published modifications).

Diasio Lab,  Mayo Clinic
No classification provided. Review status: no classification provided. Collection method: not provided. Allele origin: unknown. Not counted in ClinVar's aggregate classification.

Literature cited by the submitters: PubMed 23238479 (cited by Illumina Laboratory Services, Illumina).

NM_016327.3(UPB1):c.957G>A (p.Val319=)

Gene: UPB1 (beta-ureidopropionase 1; plus strand). Cytogenetic location: 22q11.23.
Variant type: single nucleotide variant.
Coding change: c.957G>A on transcript NM_016327.3 (MANE Select); coding-DNA position 957, G replaced by A.
Protein change: p.Val319=; no amino-acid change (valine 319 retained).
Molecular consequence: synonymous variant.
Genome position (GRCh38, 1-based): chr22:24,523,659, G>A. VCF-style: chr22-24523659-G-A. GRCh37 (hg19) VCF-style: chr22-24919627-G-A.
Identifiers: ClinVar variation 100163 (VCV000100163.29), dbSNP rs62231899, ClinGen allele CA228245.